The following is an entry in ClinVar:

ClinVar aggregate classification (germline): Uncertain significance. Review status: criteria provided, multiple submitters, no conflicts (2 of 4 stars). 2 submissions from 2 submitters: Uncertain significance (2). Last evaluated 2022-06-27.

Allele frequency attached by ClinVar (database versions not stated): gnomAD 0.00002; TOPMed 0.00003.
gnomAD v4.1: 16 of 1,614,054 alleles (0.00099%); highest among the groups gnomAD compares: Admixed American, 0.017%; no homozygotes.

Submissions (2):

Labcorp Genetics (formerly Invitae), Labcorp
Classification: Uncertain significance. Last evaluated: 2022-06-27. Review status: criteria provided, single submitter. Criteria: Invitae Variant Classification Sherloc (09022015). Collection method: clinical testing. Allele origin: germline.
Comment: This sequence change replaces threonine, which is neutral and polar, with arginine, which is basic and polar, at codon 438 of the PCARE protein (p.Thr438Arg). This variant is present in population databases (rs750602329, gnomAD 0.01%). This variant has not been reported in the literature in individuals affected with PCARE-related conditions. ClinVar contains an entry for this variant (Variation ID: 1036100). Algorithms developed to predict the effect of missense changes on protein structure and function are either unavailable or do not agree on the potential impact of this missense change (SIFT: "Deleterious"; PolyPhen-2: "Possibly Damaging"; Align-GVGD: "Class C0"). Algorithms developed to predict the effect of sequence changes on RNA splicing suggest that this variant may create or strengthen a splice site. In summary, the available evidence is currently insufficient to determine the role of this variant in disease. Therefore, it has been classified as a Variant of Uncertain Significance.

Blueprint Genetics
Classification: Uncertain significance. Last evaluated: 2019-09-05. Review status: criteria provided, single submitter. Criteria: ACMG Guidelines, 2015. Collection method: clinical testing. Allele origin: germline.

NM_001029883.3(PCARE):c.1313C>G (p.Thr438Arg)

Gene: PCARE (photoreceptor cilium actin regulator; minus strand). Cytogenetic location: 2p23.2.
Variant type: single nucleotide variant.
Coding change: c.1313C>G on transcript NM_001029883.3 (MANE Select); coding-DNA position 1313, C replaced by G.
Protein change: p.Thr438Arg; replaces threonine 438 with arginine.
Molecular consequence: missense variant.
Genome position (GRCh38, 1-based): chr2:29,072,949, G>C on the plus strand (C>G on the coding strand, the complement: PCARE is on the minus strand). VCF-style: chr2-29072949-G-C. GRCh37 (hg19) VCF-style: chr2-29295815-G-C.
Other names: short protein forms T438R.
Identifiers: ClinVar variation 1036100 (VCV001036100.5), dbSNP rs750602329, ClinGen allele CA1592451.
Genomic context (GRCh38, chr2:29,072,949, plus strand): 5'-GAATCACATGGGGTGCTTGTCCCCAGCTTCAAAGGTGGGGAGGTGATATTTTCTGGGCTT[G>C]TACTGGAGAGGCATGGGCTCCTTGCTTCGTCCTGTGCTCGTGGCTGAACCTTTGCCATAG-3'
Protein context (NP_001025054.1, residues 428-448): DEARSPCLSS[Thr438Arg]SPENITSPPL